The following is an entry in ClinVar:

NM_001927.4(DES):c.199G>A (p.Gly67Arg)

Gene: DES (desmin; plus strand). Cytogenetic location: 2q35.
Variant type: single nucleotide variant.
Coding change: c.199G>A on transcript NM_001927.4 (MANE Select); coding-DNA position 199, G replaced by A.
Protein change: p.Gly67Arg; replaces glycine 67 with arginine.
Molecular consequence: missense variant.
Genome position (GRCh38, 1-based): chr2:219,418,661, G>A. VCF-style: chr2-219418661-G-A. GRCh37 (hg19) VCF-style: chr2-220283383-G-A.
Other names: c.199G>A, p.Gly67Arg (NM_001382708.1, NM_001382709.1, NM_001382710.1 and 3 more transcripts); c.199G>A (NM_001927.3); short protein forms G67R.
Identifiers: ClinVar variation 1486456 (VCV001486456.9), dbSNP rs753419517, ClinGen allele CA2125037.

ClinVar aggregate classification (germline): Uncertain significance. Review status: criteria provided, multiple submitters, no conflicts (2 of 4 stars). 2 submissions from 2 submitters: Uncertain significance (2). Last evaluated 2025-02-18.

Conditions:
Cardiovascular phenotype. Identifiers: MedGen CN230736.
Desmin-related myofibrillar myopathy (MFM1). Also called: Desminopathy; Myofibrillar myopathy 1; MYOFIBRILLAR MYOPATHY WITH ARRHYTHMOGENIC RIGHT VENTRICULAR CARDIOMYOPATHY; DESMIN-RELATED MYOPATHY WITH ARRHYTHMOGENIC RIGHT VENTRICULAR CARDIOMYOPATHY; Desmin related myopathy (former name); Desmin storage myopathy (former name). Identifiers: Orphanet 363543, Orphanet 98909, MedGen C1832370, MONDO:0011076, OMIM 601419.

Allele frequency attached by ClinVar (database versions not stated): gnomAD exomes below 0.00001 and 0.00002; TOPMed 0.00001; ExAC 0.00005.
gnomAD v4.1: 6 of 1,585,948 alleles (0.00038%); highest among the groups gnomAD compares: South Asian, 0.0046%; no homozygotes.

Submissions (2):

Ambry Genetics
Classification: Uncertain significance for Cardiovascular phenotype. Last evaluated: 2025-02-18. Review status: criteria provided, single submitter. Criteria: Ambry Variant Classification Scheme 2023. Collection method: clinical testing. Allele origin: germline.
Comment: The p.G67R variant (also known as c.199G>A), located in coding exon 1 of the DES gene, results from a G to A substitution at nucleotide position 199. The glycine at codon 67 is replaced by arginine, an amino acid with dissimilar properties. This amino acid position is not well conserved in available vertebrate species. In addition, this alteration is predicted to be tolerated by in silico analysis. Based on the available evidence, the clinical significance of this variant remains unclear.

Labcorp Genetics (formerly Invitae), Labcorp
Classification: Uncertain significance for Desmin-related myofibrillar myopathy. Last evaluated: 2020-12-25. Review status: criteria provided, single submitter. Criteria: Invitae Variant Classification Sherloc (09022015). Collection method: clinical testing. Allele origin: germline.
Comment: In summary, the available evidence is currently insufficient to determine the role of this variant in disease. Therefore, it has been classified as a Variant of Uncertain Significance. Algorithms developed to predict the effect of missense changes on protein structure and function are either unavailable or do not agree on the potential impact of this missense change (SIFT: "Tolerated"; PolyPhen-2: "Not Available"; Align-GVGD: "Class C0"). This variant has not been reported in the literature in individuals with DES-related conditions. This variant is present in population databases (rs753419517, ExAC 0.02%). This sequence change replaces glycine with arginine at codon 67 of the DES protein (p.Gly67Arg). The glycine residue is weakly conserved and there is a moderate physicochemical difference between glycine and arginine.